The following is an entry in ClinVar:

NM_004329.3(BMPR1A):c.313G>A (p.Gly105Arg)

Gene: BMPR1A (bone morphogenetic protein receptor type 1A; plus strand). Cytogenetic location: 10q23.2.
Variant type: single nucleotide variant.
Coding change: c.313G>A on transcript NM_004329.3 (MANE Select); coding-DNA position 313, G replaced by A.
Protein change: p.Gly105Arg; replaces glycine 105 with arginine.
Molecular consequence: missense variant.
Genome position (GRCh38, 1-based): chr10:86,892,209, G>A. VCF-style: chr10-86892209-G-A. GRCh37 (hg19) VCF-style: chr10-88651966-G-A.
Other names: c.313G>A, p.Gly105Arg (NM_001406559.1, NM_001406560.1, NM_001406561.1 and 23 more transcripts); c.229G>A, p.Gly77Arg (NM_001406584.1, NM_001406585.1, NM_001406586.1 and 2 more transcripts); short protein forms G105R, G77R.
Identifiers: ClinVar variation 1721393 (VCV001721393.6), dbSNP rs2539446465, ClinGen allele CA377448268.

ClinVar aggregate classification (germline): Uncertain significance (1 of 4 stars; one submission).

Conditions:
Juvenile polyposis syndrome (JPS). Identifiers: Orphanet 2929, MedGen C0345893, MONDO:0017380, OMIM 174900.

Submission:

Labcorp Genetics (formerly Invitae), Labcorp
Classification: Uncertain significance for Juvenile polyposis syndrome. Last evaluated: 2022-10-10. Review status: criteria provided, single submitter. Criteria: Invitae Variant Classification Sherloc (09022015). Collection method: clinical testing. Allele origin: germline.
Comment: In summary, the available evidence is currently insufficient to determine the role of this variant in disease. Therefore, it has been classified as a Variant of Uncertain Significance. Advanced modeling of protein sequence and biophysical properties (such as structural, functional, and spatial information, amino acid conservation, physicochemical variation, residue mobility, and thermodynamic stability) has been performed at Invitae for this missense variant, however the output from this modeling did not meet the statistical confidence thresholds required to predict the impact of this variant on BMPR1A protein function. This variant has not been reported in the literature in individuals affected with BMPR1A-related conditions. This variant is not present in population databases (gnomAD no frequency). This sequence change replaces glycine, which is neutral and non-polar, with arginine, which is basic and polar, at codon 105 of the BMPR1A protein (p.Gly105Arg).